The following is an entry in ClinVar:

ClinVar aggregate classification (germline): Pathogenic/Likely pathogenic. Review status: criteria provided, multiple submitters, no conflicts (2 of 4 stars). 4 submissions from 4 submitters: Pathogenic (1); Likely pathogenic (3). Last evaluated 2025-12-01.

Conditions:
MED17-related disorder. Also called: MED17-related condition.
MED17-related disorders.
Infantile cerebral and cerebellar atrophy with postnatal progressive microcephaly (MSBA). Identifiers: Orphanet 402364, MedGen C3150921, MONDO:0013351, OMIM 613668.

Allele frequency attached by ClinVar (database versions not stated): TOPMed below 0.00001; gnomAD exomes 0.00001.
gnomAD v4.1: 5 of 1,613,184 alleles (0.00031%); highest among the groups gnomAD compares: Non-Finnish European, 0.00042%; no homozygotes.

Submissions (4):

Natera, Inc.
Classification: Likely pathogenic for Postnatal progressive microcephaly with seizures and brain atrophy. Last evaluated: 2025-12-01. Review status: criteria provided, single submitter. Criteria: Natera Variant Classification Schema (03/2026). Collection method: clinical testing. Allele origin: germline.
Comment: The c.757G>A variant in MED17 is a missense variant predicted to cause substitution of glycine to arginine at amino acid 253. This variant is rare in the general population with a frequency below the threshold expected for the associated phenotype(s). This variant has been observed in one or more individuals affected with the associated recessive disease, as either homozygous or compound heterozygous with a second variant (PMID: 30345598). Additionally, this variant has been observed to segregate in affected family members (PMID: 30345598). Computational prediction algorithms indicate this variant is likely to affect gene or protein function. Given the available evidence, this variant is classified as Likely Pathogenic.

PreventionGenetics, part of Exact Sciences
Classification: Likely pathogenic for MED17-related condition. Last evaluated: 2025-06-30. Review status: criteria provided, single submitter. Criteria: ACMG Guidelines, 2015. Collection method: clinical testing. Allele origin: germline.
Comment: The MED17 c.757G>A variant is predicted to result in the amino acid substitution p.Gly253Arg. This variant was reported in the compound heterozygous state in two siblings with progressive microcephaly, developmental delay, ataxic gait, and seizures (Agostini et al. 2018. PubMed ID: 30345598). This variant is reported in 0.0018% of alleles in individuals of European (Non-Finnish) descent in gnomAD and is interpreted as likely pathogenic in the ClinVar database. This variant is interpreted as likely pathogenic.

Labcorp Genetics (formerly Invitae), Labcorp
Classification: Likely pathogenic. Last evaluated: 2024-02-14. Review status: criteria provided, single submitter. Criteria: Invitae Variant Classification Sherloc (09022015). Collection method: clinical testing. Allele origin: germline.
Comment: This sequence change replaces glycine, which is neutral and non-polar, with arginine, which is basic and polar, at codon 253 of the MED17 protein (p.Gly253Arg). This variant is present in population databases (no rsID available, gnomAD 0.002%). This missense change has been observed in individual(s) with MED17-related conditions (PMID: 30345598). In at least one individual the data is consistent with being in trans (on the opposite chromosome) from a pathogenic variant. It has also been observed to segregate with disease in related individuals. ClinVar contains an entry for this variant (Variation ID: 2159503). Advanced modeling of protein sequence and biophysical properties (such as structural, functional, and spatial information, amino acid conservation, physicochemical variation, residue mobility, and thermodynamic stability) performed at Invitae indicates that this missense variant is not expected to disrupt MED17 protein function with a negative predictive value of 80%. In summary, the currently available evidence indicates that the variant is pathogenic, but additional data are needed to prove that conclusively. Therefore, this variant has been classified as Likely Pathogenic.

Blueprint Genetics
Classification: Pathogenic for MED17-related disorders. Last evaluated: 2023-09-13. Review status: criteria provided, single submitter. Criteria: ACMG Guidelines, 2015. Collection method: clinical testing. Allele origin: germline. Affected: yes. Observed: 4 variant alleles.

Literature cited by the submitters: PubMed 30345598 (cited by Natera, Inc. and Labcorp Genetics (formerly Invitae), Labcorp).

NM_004268.5(MED17):c.757G>A (p.Gly253Arg)

Gene: MED17 (mediator complex subunit 17; plus strand). Cytogenetic location: 11q21.
Variant type: single nucleotide variant.
Coding change: c.757G>A on transcript NM_004268.5 (MANE Select); coding-DNA position 757, G replaced by A.
Protein change: p.Gly253Arg; replaces glycine 253 with arginine.
Molecular consequence: missense variant.
Genome position (GRCh38, 1-based): chr11:93,793,847, G>A. VCF-style: chr11-93793847-G-A. GRCh37 (hg19) VCF-style: chr11-93527013-G-A.
Other names: c.757G>A (NM_004268.4); short protein forms G253R.
Identifiers: ClinVar variation 2159503 (VCV002159503.7), dbSNP rs1289819331, ClinGen allele CA382356144.